The following is an entry in ClinVar:

NM_001384474.1(LOXHD1):c.5233G>A (p.Asp1745Asn)

Gene: LOXHD1 (lipoxygenase homology PLAT domains 1; minus strand). Cytogenetic location: 18q21.1.
Variant type: single nucleotide variant.
Coding change: c.5233G>A on transcript NM_001384474.1 (MANE Select); coding-DNA position 5233, G replaced by A.
Protein change: p.Asp1745Asn; replaces aspartic acid 1745 with asparagine.
Molecular consequence: missense variant. On other transcripts: intron variant (1).
Genome position (GRCh38, 1-based): chr18:46,521,135, C>T on the plus strand (G>A on the coding strand, the complement: LOXHD1 is on the minus strand). VCF-style: chr18-46521135-C-T. GRCh37 (hg19) VCF-style: chr18-44101098-C-T.
Other names: c.1900G>A, p.Asp634Asn (NM_001145472.3); c.1612G>A, p.Asp538Asn (NM_001308013.2); c.5085+966G>A (NM_144612.7); c.1612G>A (NM_001308013.1); short protein forms D538N, D634N, D1745N.
Identifiers: ClinVar variation 667125 (VCV000667125.13), dbSNP rs1020724757, ClinGen allele CA299800695.

ClinVar aggregate classification (germline): Conflicting classifications of pathogenicity. Review status: criteria provided, conflicting classifications (1 of 4 stars). 3 submissions from 3 submitters: Uncertain significance (1); Likely benign (2). Last evaluated 2026-01-29.

Conditions:
LOXHD1-related disorder. Also called: LOXHD1-related condition.

Allele frequency attached by ClinVar (database versions not stated): gnomAD 0.00002; gnomAD exomes 0.00003 and 0.00013; TOPMed 0.00009.
gnomAD v4.1: 37 of 1,551,606 alleles (0.0024%); highest among the groups gnomAD compares: Admixed American, 0.055%; no homozygotes.

Submissions (3):

PreventionGenetics, part of Exact Sciences
Classification: Uncertain significance for LOXHD1-related condition. Last evaluated: 2026-01-29. Review status: criteria provided, single submitter. Criteria: ACMG Guidelines, 2015. Collection method: clinical testing. Allele origin: germline.
Comment: The LOXHD1 c.1612G>A variant is predicted to result in the amino acid substitution p.Asp538Asn. To our knowledge, this variant has not been reported in the literature. This variant is reported in 0.078% of alleles in individuals of Latino descent in gnomAD. Although we suspect that this variant may be benign, at this time, the clinical significance of this variant is uncertain due to the absence of conclusive functional and genetic evidence.

Labcorp Genetics (formerly Invitae), Labcorp
Classification: Likely benign. Last evaluated: 2019-07-02. Review status: criteria provided, single submitter. Criteria: Invitae Variant Classification Sherloc (09022015). Collection method: clinical testing. Allele origin: germline.

Laboratory for Molecular Medicine, Mass General Brigham Personalized Medicine
Classification: Likely benign. Last evaluated: 2018-05-01. Review status: criteria provided, single submitter. Criteria: LMM Criteria. Collection method: clinical testing. Allele origin: germline. Observed: 1 variant allele.
Comment: The p.Asp634Asn variant in LOXHD1 has not been previously reported in individual s with hearing loss, but has been identified in 20/24794 of Latino chromosomes b y the Genome Aggregation Database (gnomAD; dbS NP rs1020724757). Computational prediction tools and conservation analysis sugge st that the p.Asp634Asn variant is less likely to impact the protein. In summary , based on an allele frequency of 0.08% and computational predictions, the p.Asp 634Asn variant is classified as likely benign. ACMG/AMP criteria applied: BP4, B S1_Supporting